The following is an entry in ClinVar:

NM_000660.7(TGFB1):c.73C>G (p.Arg25Gly)

Gene: TGFB1 (transforming growth factor beta 1; minus strand). Cytogenetic location: 19q13.2.
Variant type: single nucleotide variant.
Coding change: c.73C>G on transcript NM_000660.7 (MANE Select); coding-DNA position 73, C replaced by G.
Protein change: p.Arg25Gly; replaces arginine 25 with glycine.
Molecular consequence: missense variant.
Genome position (GRCh38, 1-based): chr19:41,352,972, G>C on the plus strand (C>G on the coding strand, the complement: TGFB1 is on the minus strand). VCF-style: chr19-41352972-G-C. GRCh37 (hg19) VCF-style: chr19-41858877-G-C.
Other names: short protein forms R25G.
Identifiers: ClinVar variation 2112648 (VCV002112648.4), dbSNP rs1413735402, ClinGen allele CA406006328.

ClinVar aggregate classification (germline): Uncertain significance (1 of 4 stars; one submission).

gnomAD v4.1: 1 of 1,543,758 alleles (0.000065%); no homozygotes.

Submission:

Labcorp Genetics (formerly Invitae), Labcorp
Classification: Uncertain significance. Last evaluated: 2022-11-22. Review status: criteria provided, single submitter. Criteria: Invitae Variant Classification Sherloc (09022015). Collection method: clinical testing. Allele origin: germline.
Comment: This sequence change replaces arginine, which is basic and polar, with glycine, which is neutral and non-polar, at codon 25 of the TGFB1 protein (p.Arg25Gly). This variant has not been reported in the literature in individuals affected with TGFB1-related conditions. This variant is present in population databases (no rsID available, gnomAD 0.002%). Algorithms developed to predict the effect of missense changes on protein structure and function are either unavailable or do not agree on the potential impact of this missense change (SIFT: "Tolerated"; PolyPhen-2: "Probably Damaging"; Align-GVGD: "Class C0"). In summary, the available evidence is currently insufficient to determine the role of this variant in disease. Therefore, it has been classified as a Variant of Uncertain Significance.